The following is an entry in ClinVar:

ClinVar aggregate classification (germline): Uncertain significance (1 of 4 stars; one submission).

Submission:

GeneDx
Classification: Uncertain significance. Last evaluated: 2024-09-19. Review status: criteria provided, single submitter. Criteria: GeneDx Variant Classification Process June 2021. Collection method: clinical testing. Allele origin: germline. Affected: yes.
Comment: Not observed at significant frequency in large population cohorts (gnomAD); Has not been previously published as pathogenic or benign to our knowledge; Nonsense variant predicted to result in protein truncation as the last 25 amino acids are lost with an unclear effect on protein function

NM_002815.4(PSMD11):c.1192G>T (p.Glu398Ter)

Gene: PSMD11 (proteasome 26S subunit, non-ATPase 11; plus strand). Cytogenetic location: 17q11.2.
Variant type: single nucleotide variant.
Coding change: c.1192G>T on transcript NM_002815.4 (MANE Select); coding-DNA position 1192, G replaced by T.
Protein change: p.Glu398Ter; replaces glutamic acid 398 with a stop codon.
Molecular consequence: nonsense.
Genome position (GRCh38, 1-based): chr17:32,480,554, G>T. VCF-style: chr17-32480554-G-T. GRCh37 (hg19) VCF-style: chr17-30807572-G-T.
Other names: c.1192G>T, p.Glu398Ter (NM_001270482.2); short protein forms E398*.
Identifiers: ClinVar variation 3774184 (VCV003774184.1).
Genomic context (GRCh38, chr17:32,480,554, plus strand): 5'-TTGGACCAGGGGGAGGGTGTCCTGATTATTTTCGATGAACCCCCAGTAGATAAAACTTAC[G>T]AAGCTGCTCTGGAAACAATTCAGAACATGAGCAAAGTAGTGGATTCCCTCTACAACAAAG-3'